The following is an entry in ClinVar:

ClinVar aggregate classification (germline): Likely benign (1 of 4 stars; one submission).

Conditions:
Breast-ovarian cancer, familial, susceptibility to, 1 (BROVCA1). Also called: OVARIAN CANCER, SUSCEPTIBILITY TO; BRCA1 Hereditary Breast and Ovarian Cancer. Identifiers: Orphanet 145, MedGen C2676676, MONDO:0011450, OMIM 604370. Disease mechanism: loss of function.

gnomAD v4.1: 1 of 1,614,192 alleles (0.000062%); highest among the groups gnomAD compares: Non-Finnish European, 0.000085%; no homozygotes.

Submission:

Cancer Bioinformatics and Tumour Evolution Laboratory, Monash University
Classification: Likely benign for Breast-ovarian cancer, familial, susceptibility to, 1. Last evaluated: 2026-05-01. Review status: criteria provided, single submitter. Criteria: ClinGen BRCA1 and BRCA2 Guidelines, 2024. Collection method: curation. Allele origin: germline. Inheritance: Autosomal dominant inheritance.
Comment: Missense variant outside of a functional domain with no splice impact. BRCA1 and BRCA2 VCEP guidelines recommend application of BP1_Strong (PMID: 39142283)

NM_007294.4(BRCA1):c.3665A>C (p.Glu1222Ala)

Genes: BRCA1 (BRCA1 DNA repair associated; minus strand), LOC126862571 (BRD4-independent group 4 enhancer GRCh37_chr17:41243136-41244335; plus strand). Cytogenetic location: 17q21.31.
Variant type: single nucleotide variant.
Coding change: c.3665A>C on transcript NM_007294.4 (MANE Select); coding-DNA position 3665, A replaced by C.
Protein change: p.Glu1222Ala; replaces glutamic acid 1222 with alanine.
Molecular consequence: missense variant. On other transcripts: intron variant (135).
Genome position (GRCh38, 1-based): chr17:43,091,866, T>G on the plus strand (A>C on the coding strand, the complement: BRCA1 is on the minus strand). VCF-style: chr17-43091866-T-G. GRCh37 (hg19) VCF-style: chr17-41243883-T-G.
Other names: c.785-834A>C (NM_001407986.1, NM_001407972.1, NM_001408400.1 and 13 more transcripts); c.665-834A>C (NM_001408441.1, NM_001408437.1, NM_001408429.1 and 12 more transcripts); c.788-834A>C (NM_001407979.1, NM_001407977.1, NM_001407982.1 and 17 more transcripts); c.647-834A>C (NM_001408410.1, NM_001408458.1, NM_001408469.1 and 11 more transcripts); c.710-834A>C (NM_001408415.1, NM_001408414.1, NM_001408411.1 and 2 more transcripts); c.578-834A>C (NM_001408483.1, NM_001408514.1, NM_001408485.1 and 9 more transcripts); c.671-834A>C (NM_001408418.1, NM_001408423.1, NM_001408420.1 and 2 more transcripts); c.644-834A>C (NM_001408462.1, NM_001408470.1, NM_001408464.1 and 3 more transcripts); and 41 more; short protein forms E1054A, E1094A, E1095A, E1110A, E1111A, E1133A, E1134A, E1151A.
Identifiers: ClinVar variation 4856564 (VCV004856564.1).
Genomic context (GRCh38, chr17:43,091,866, plus strand): 5'-GTAGACTGAGAAGGTATATTGTTTACTTTACCAAATAACAAGTGTTGGAAGCAGGGAAGC[T>G]CTTCATCCTCACTAGATAAGTTCTCTTCTGAGGACTCTAATTTCTTGGCCCCTCTTCGGT-3'
Protein context (NP_009225.1, residues 1212-1232): SEENLSSEDE[Glu1222Ala]LPCFQHLLFG